The following is an entry in ClinVar:

NM_006648.4(WNK2):c.3253A>T (p.Thr1085Ser)

Gene: WNK2 (WNK lysine deficient protein kinase 2; plus strand). Cytogenetic location: 9q22.31.
Variant type: single nucleotide variant.
Coding change: c.3253A>T on transcript NM_006648.4 (MANE Select); coding-DNA position 3253, A replaced by T.
Protein change: p.Thr1085Ser; replaces threonine 1085 with serine.
Molecular consequence: missense variant.
Genome position (GRCh38, 1-based): chr9:93,262,000, A>T. VCF-style: chr9-93262000-A-T. GRCh37 (hg19) VCF-style: chr9-96024282-A-T.
Other names: c.3253A>T, p.Thr1085Ser (NM_001282394.3); short protein forms T1085S.
Identifiers: ClinVar variation 4866648 (VCV004866648.1).
Genomic context (GRCh38, chr9:93,262,000, plus strand): 5'-CTCCTGCCTCAGTTCCCCAGCTCCCTGGCCACGGTGTCTGCCTCTGTGCAGAGTGTGCCC[A>T]CCCAGACTGCCACACTTCTGCCACCAGCAAACCCACCGCTGCCTGGCGGGCCCGGGATCG-3'
Protein context (NP_006639.3, residues 1075-1095): TVSASVQSVP[Thr1085Ser]QTATLLPPAN

ClinVar aggregate classification (germline): Uncertain significance (1 of 4 stars; one submission).

Submission:

Ambry Genetics
Classification: Uncertain significance. Last evaluated: 2026-05-14. Review status: criteria provided, single submitter. Criteria: Ambry Variant Classification Scheme 2023. Collection method: clinical testing. Allele origin: germline.
Comment: The p.T1085S variant (also known as c.3253A>T), located in coding exon 12 of the WNK2 gene, results from an A to T substitution at nucleotide position 3253. The threonine at codon 1085 is replaced by serine, an amino acid with similar properties. This amino acid position is conserved. In addition, this alteration is predicted to be tolerated by in silico analysis. Based on the available evidence, the clinical significance of this variant remains unclear.